The following is an entry in ClinVar:

ClinVar aggregate classification (germline): Uncertain significance (1 of 4 stars; one submission).

Submission:

Labcorp Genetics (formerly Invitae), Labcorp
Classification: Uncertain significance. Last evaluated: 2024-02-17. Review status: criteria provided, single submitter. Criteria: Invitae Variant Classification Sherloc (09022015). Collection method: clinical testing. Allele origin: germline.
Comment: This sequence change replaces serine, which is neutral and polar, with cysteine, which is neutral and slightly polar, at codon 29 of the NEK2 protein (p.Ser29Cys). This variant is not present in population databases (gnomAD no frequency). This variant has not been reported in the literature in individuals affected with NEK2-related conditions. ClinVar contains an entry for this variant (Variation ID: 2004915). An algorithm developed to predict the effect of missense changes on protein structure and function (PolyPhen-2) suggests that this variant is likely to be tolerated. In summary, the available evidence is currently insufficient to determine the role of this variant in disease. Therefore, it has been classified as a Variant of Uncertain Significance.

NM_002497.4(NEK2):c.85A>T (p.Ser29Cys)

Genes: NEK2 (NIMA related kinase 2; minus strand), LOC129932452 (ATAC-STARR-seq lymphoblastoid active region 2489; plus strand). Cytogenetic location: 1q32.3.
Variant type: single nucleotide variant.
Coding change: c.85A>T on transcript NM_002497.4 (MANE Select); coding-DNA position 85, A replaced by T.
Protein change: p.Ser29Cys; replaces serine 29 with cysteine.
Molecular consequence: missense variant.
Genome position (GRCh38, 1-based): chr1:211,675,395, T>A on the plus strand (A>T on the coding strand, the complement: NEK2 is on the minus strand). VCF-style: chr1-211675395-T-A. GRCh37 (hg19) VCF-style: chr1-211848737-T-A.
Other names: c.85A>T, p.Ser29Cys (NM_001204182.2, NM_001204183.2); short protein forms S29C.
Identifiers: ClinVar variation 2004915 (VCV002004915.4), dbSNP rs2464408649, ClinGen allele CA344786719.